The following is an entry in ClinVar:

ClinVar aggregate classification (germline): Uncertain significance (1 of 4 stars; one submission).

Allele frequency attached by ClinVar (database versions not stated): gnomAD exomes below 0.00001.
gnomAD v4.1: 1 of 1,613,892 alleles (0.000062%); highest among the groups gnomAD compares: Non-Finnish European, 0.000085%; no homozygotes.

Submission:

Labcorp Genetics (formerly Invitae), Labcorp
Classification: Uncertain significance. Last evaluated: 2024-01-04. Review status: criteria provided, single submitter. Criteria: Invitae Variant Classification Sherloc (09022015). Collection method: clinical testing. Allele origin: germline.
Comment: This sequence change replaces glycine, which is neutral and non-polar, with aspartic acid, which is acidic and polar, at codon 2464 of the FLNB protein (p.Gly2464Asp). This variant is present in population databases (no rsID available, gnomAD 0.0009%). This variant has not been reported in the literature in individuals affected with FLNB-related conditions. Advanced modeling of protein sequence and biophysical properties (such as structural, functional, and spatial information, amino acid conservation, physicochemical variation, residue mobility, and thermodynamic stability) performed at Invitae indicates that this missense variant is not expected to disrupt FLNB protein function with a negative predictive value of 95%. In summary, the available evidence is currently insufficient to determine the role of this variant in disease. Therefore, it has been classified as a Variant of Uncertain Significance.

NM_001457.4(FLNB):c.7391G>A (p.Gly2464Asp)

Genes: FLNB (filamin B; plus strand), FLNB-AS1 (FLNB antisense RNA 1; minus strand). Cytogenetic location: 3p14.3.
Variant type: single nucleotide variant.
Coding change: c.7391G>A on transcript NM_001457.4 (MANE Select); coding-DNA position 7391, G replaced by A.
Protein change: p.Gly2464Asp; replaces glycine 2464 with aspartic acid.
Molecular consequence: missense variant.
Genome position (GRCh38, 1-based): chr3:58,168,632, G>A. VCF-style: chr3-58168632-G-A. GRCh37 (hg19) VCF-style: chr3-58154359-G-A.
Other names: c.7484G>A, p.Gly2495Asp (NM_001164317.2); c.7358G>A, p.Gly2453Asp (NM_001164318.2); c.7319G>A, p.Gly2440Asp (NM_001164319.2); short protein forms G2453D, G2464D, G2495D, G2440D.
Identifiers: ClinVar variation 2775948 (VCV002775948.3), dbSNP rs1447798203, ClinGen allele CA353335009.